The following is an entry in ClinVar:

ClinVar aggregate classification (germline): Uncertain significance (1 of 4 stars; one submission).

Allele frequency attached by ClinVar (database versions not stated): gnomAD exomes below 0.00001; ExAC 0.00001; TOPMed 0.00002; gnomAD 0.00004; ESP Exome Variant Server 0.00008.
gnomAD v4.1: 9 of 1,613,990 alleles (0.00056%); highest among the groups gnomAD compares: African/African-American, 0.011%; no homozygotes.

Submission:

Labcorp Genetics (formerly Invitae), Labcorp
Classification: Uncertain significance. Last evaluated: 2022-07-17. Review status: criteria provided, single submitter. Criteria: Invitae Variant Classification Sherloc (09022015). Collection method: clinical testing. Allele origin: germline.
Comment: This sequence change replaces aspartic acid, which is acidic and polar, with asparagine, which is neutral and polar, at codon 14 of the ERCC8 protein (p.Asp14Asn). This variant is present in population databases (rs143255688, gnomAD 0.01%). This variant has not been reported in the literature in individuals affected with ERCC8-related conditions. Algorithms developed to predict the effect of missense changes on protein structure and function are either unavailable or do not agree on the potential impact of this missense change (SIFT: "Deleterious"; PolyPhen-2: "Benign"; Align-GVGD: "Class C0"). In summary, the available evidence is currently insufficient to determine the role of this variant in disease. Therefore, it has been classified as a Variant of Uncertain Significance.

NM_000082.4(ERCC8):c.40G>A (p.Asp14Asn)

Gene: ERCC8 (ERCC excision repair 8, CSA ubiquitin ligase complex subunit; minus strand). Cytogenetic location: 5q12.1.
Variant type: single nucleotide variant.
Coding change: c.40G>A on transcript NM_000082.4 (MANE Select); coding-DNA position 40, G replaced by A.
Protein change: p.Asp14Asn; replaces aspartic acid 14 with asparagine.
Molecular consequence: missense variant. On other transcripts: 5 prime UTR variant (2).
Genome position (GRCh38, 1-based): chr5:60,944,969, C>T on the plus strand (G>A on the coding strand, the complement: ERCC8 is on the minus strand). VCF-style: chr5-60944969-C-T. GRCh37 (hg19) VCF-style: chr5-60240796-C-T.
Other names: c.-353G>A (NM_001007233.3); c.40G>A, p.Asp14Asn (NM_001007234.3); c.-338G>A (NM_001290285.2); short protein forms D14N.
Identifiers: ClinVar variation 2150049 (VCV002150049.1), dbSNP rs143255688, ClinGen allele CA3277985.